The following is an entry in ClinVar:

ClinVar aggregate classification (germline): Conflicting classifications of pathogenicity. Review status: criteria provided, conflicting classifications (1 of 4 stars). 3 submissions from 3 submitters: Uncertain significance (2); Benign (1). Last evaluated 2026-08-06.

Conditions:
Frontometaphyseal dysplasia (FMD1). Identifiers: Orphanet 1826, MedGen C0265293, MONDO:0015942.
Oto-palato-digital syndrome, type II (OPD2). Also called: Otopalatodigital Syndrome Type 2 (FLNA-OPD2); FACIOPALATOOSSEOUS SYNDROME; OPD II SYNDROME; Otopalatodigital Syndrome, Type II. Identifiers: Orphanet 669, Orphanet 90652, MedGen C1844696, MONDO:0010571, OMIM 304120.
Melnick-Needles syndrome (MNS). Also called: Melnick-Needles Syndrome (FLNA-MNS); MELNICK-NEEDLES OSTEODYSPLASTY; OSTEODYSPLASTY OF MELNICK AND NEEDLES. Identifiers: Orphanet 2484, MedGen C0025237, MONDO:0010650, OMIM 309350.
Heterotopia, periventricular, X-linked dominant (PVNH1). Also called: PERIVENTRICULAR NODULAR HETEROTOPIA 1; X-linked periventricular heterotopia; PERIVENTRICULAR NODULAR HETEROTOPIA 4; HETEROTOPIA, PERIVENTRICULAR, 1. Identifiers: Orphanet 2149, Orphanet 82004, MedGen C1848213, MONDO:0010233, OMIM 300049.
FLNA-related disorder.

Allele frequency attached by ClinVar (database versions not stated): TOPMed below 0.00001; ExAC 0.00001; gnomAD exomes 0.00001.
gnomAD v4.1: 8 of 1,209,922 alleles (0.00066%); highest among the groups gnomAD compares: East Asian, 0.0089%; no homozygotes.

Submissions (3):

PreventionGenetics, part of Exact Sciences
Classification: Uncertain significance for FLNA-related condition. Last evaluated: 2026-08-06. Review status: criteria provided, single submitter. Criteria: ACMG Guidelines, 2015. Collection method: clinical testing. Allele origin: germline.
Comment: The FLNA c.3769G>A variant is predicted to result in the amino acid substitution p.Gly1257Ser. To our knowledge, this variant has not been reported in the literature. This variant is reported in 0.0082% of alleles in individuals of African descent in gnomAD. At this time, the clinical significance of this variant is uncertain due to the absence of conclusive functional and genetic evidence.

GeneDx
Classification: Uncertain significance. Last evaluated: 2023-12-20. Review status: criteria provided, single submitter. Criteria: GeneDx Variant Classification Process June 2021. Collection method: clinical testing. Allele origin: germline. Affected: yes.
Comment: Not observed at significant frequency in large population cohorts (gnomAD); In silico analysis supports that this missense variant has a deleterious effect on protein structure/function; Has not been previously published as pathogenic or benign to our knowledge

Labcorp Genetics (formerly Invitae), Labcorp
Classification: Benign for Oto-palato-digital syndrome, type II; Heterotopia, periventricular, X-linked dominant; Frontometaphyseal dysplasia; Melnick-Needles syndrome. Last evaluated: 2022-12-06. Review status: criteria provided, single submitter. Criteria: Invitae Variant Classification Sherloc (09022015). Collection method: clinical testing. Allele origin: germline.

NM_001110556.2(FLNA):c.3769G>A (p.Gly1257Ser)

Gene: FLNA (filamin A; minus strand). Cytogenetic location: Xq28.
Variant type: single nucleotide variant.
Coding change: c.3769G>A on transcript NM_001110556.2 (MANE Select); coding-DNA position 3769, G replaced by A.
Protein change: p.Gly1257Ser; replaces glycine 1257 with serine.
Molecular consequence: missense variant.
Genome position (GRCh38, 1-based): chrX:154,360,026, C>T on the plus strand (G>A on the coding strand, the complement: FLNA is on the minus strand). VCF-style: chrX-154360026-C-T. GRCh37 (hg19) VCF-style: chrX-153588394-C-T.
Other names: c.3769G>A (NM_001110556.1); c.3769G>A, p.Gly1257Ser (NM_001456.4); short protein forms G1257S.
Identifiers: ClinVar variation 464985 (VCV000464985.12), dbSNP rs781896277, ClinGen allele CA10560663.
Genomic context (GRCh38, chrX:154,360,026, plus strand): 5'-ATACCCCACGGCAGGGCAACTCACCCTGGCCCTCAATACCAGGCCCATAGCACTGGACAC[C>T]GGAAGTGTCCACCGCAGGTTCCACCTGCAGCTTGCTGGGGAAGTTGGGCACGGGCTGGCC-3'
Protein context (NP_001104026.1, residues 1247-1267): LQVEPAVDTS[Gly1257Ser]VQCYGPGIEG